The following is an entry in ClinVar:

NM_001379286.1(ZNF423):c.2354C>T (p.Pro785Leu)

Gene: ZNF423 (zinc finger protein 423; minus strand). Cytogenetic location: 16q12.1.
Variant type: single nucleotide variant.
Coding change: c.2354C>T on transcript NM_001379286.1 (MANE Select); coding-DNA position 2354, C replaced by T.
Protein change: p.Pro785Leu; replaces proline 785 with leucine.
Molecular consequence: missense variant.
Genome position (GRCh38, 1-based): chr16:49,636,822, G>A on the plus strand (C>T on the coding strand, the complement: ZNF423 is on the minus strand). VCF-style: chr16-49636822-G-A. GRCh37 (hg19) VCF-style: chr16-49670733-G-A.
Other names: c.2150C>T, p.Pro717Leu (NM_001271620.2); c.1979C>T, p.Pro660Leu (NM_001330533.2); c.2330C>T, p.Pro777Leu (NM_015069.5); c.2330C>T (NM_015069.2); short protein forms P717L, P660L, P777L, P785L.
Identifiers: ClinVar variation 1372209 (VCV001372209.4), dbSNP rs781224575, ClinGen allele CA8046523.

ClinVar aggregate classification (germline): Uncertain significance. Review status: criteria provided, multiple submitters, no conflicts (2 of 4 stars). 2 submissions from 2 submitters: Uncertain significance (2). Last evaluated 2025-08-20.

Conditions:
Nephronophthisis 14 (NPHP14). Identifiers: Orphanet 2318, MedGen C3539071, MONDO:0013916, OMIM 614844.

Allele frequency attached by ClinVar (database versions not stated): TOPMed 0.00001; gnomAD 0.00002; gnomAD exomes 0.00002 and 0.00005; ExAC 0.00006.
gnomAD v4.1: 37 of 1,613,958 alleles (0.0023%); highest among the groups gnomAD compares: Middle Eastern, 0.049%; no homozygotes.

Submissions (2):

Ambry Genetics
Classification: Uncertain significance. Last evaluated: 2025-08-20. Review status: criteria provided, single submitter. Criteria: Ambry Variant Classification Scheme 2023. Collection method: clinical testing. Allele origin: germline.

Labcorp Genetics (formerly Invitae), Labcorp
Classification: Uncertain significance for Nephronophthisis 14. Last evaluated: 2022-06-05. Review status: criteria provided, single submitter. Criteria: Invitae Variant Classification Sherloc (09022015). Collection method: clinical testing. Allele origin: germline.
Comment: This sequence change replaces proline, which is neutral and non-polar, with leucine, which is neutral and non-polar, at codon 777 of the ZNF423 protein (p.Pro777Leu). This variant is present in population databases (rs781224575, gnomAD 0.03%). This variant has not been reported in the literature in individuals affected with ZNF423-related conditions. ClinVar contains an entry for this variant (Variation ID: 1372209). Algorithms developed to predict the effect of missense changes on protein structure and function are either unavailable or do not agree on the potential impact of this missense change (SIFT: "Deleterious"; PolyPhen-2: "Benign"; Align-GVGD: "Class C0"). In summary, the available evidence is currently insufficient to determine the role of this variant in disease. Therefore, it has been classified as a Variant of Uncertain Significance.